The following is an entry in ClinVar:

ClinVar aggregate classification (germline): Uncertain significance (1 of 4 stars; one submission).

Conditions:
MHC class II deficiency. Also called: Bare lymphocyte syndrome 2; BLS, TYPE II. Identifiers: Orphanet 572, MedGen C5447452, MONDO:0008855.

Allele frequency attached by ClinVar (database versions not stated): gnomAD exomes 0.00001 and 0.00002; TOPMed 0.00002; gnomAD 0.00003 and 0.00004; ExAC 0.00004.
gnomAD v4.1: 26 of 1,613,832 alleles (0.0016%); highest among the groups gnomAD compares: East Asian, 0.029%; 1 homozygote.

Submission:

Labcorp Genetics (formerly Invitae), Labcorp
Classification: Uncertain significance for MHC class II deficiency. Last evaluated: 2019-10-12. Review status: criteria provided, single submitter. Criteria: Invitae Variant Classification Sherloc (09022015). Collection method: clinical testing. Allele origin: germline.
Comment: Algorithms developed to predict the effect of missense changes on protein structure and function (SIFT, PolyPhen-2, Align-GVGD) all suggest that this variant is likely to be tolerated, but these predictions have not been confirmed by published functional studies and their clinical significance is uncertain. In summary, the available evidence is currently insufficient to determine the role of this variant in disease. Therefore, it has been classified as a Variant of Uncertain Significance. This variant has not been reported in the literature in individuals with RFX5-related conditions. This variant is present in population databases (rs779122234, ExAC 0.01%). This sequence change replaces glutamic acid with lysine at codon 256 of the RFX5 protein (p.Glu256Lys). The glutamic acid residue is weakly conserved and there is a small physicochemical difference between glutamic acid and lysine.

NM_001025603.2(RFX5):c.766G>A (p.Glu256Lys)

Gene: RFX5 (regulatory factor X5; minus strand). Cytogenetic location: 1q21.3.
Variant type: single nucleotide variant.
Coding change: c.766G>A on transcript NM_001025603.2 (MANE Select); coding-DNA position 766, G replaced by A.
Protein change: p.Glu256Lys; replaces glutamic acid 256 with lysine.
Molecular consequence: missense variant.
Genome position (GRCh38, 1-based): chr1:151,343,434, C>T on the plus strand (G>A on the coding strand, the complement: RFX5 is on the minus strand). VCF-style: chr1-151343434-C-T. GRCh37 (hg19) VCF-style: chr1-151315910-C-T.
Other names: c.766G>A, p.Glu256Lys (NM_000449.4, NM_001379412.1, NM_001379413.1 and 5 more transcripts); c.646G>A, p.Glu216Lys (NM_001379419.1, NM_001379420.1); short protein forms E216K, E256K.
Identifiers: ClinVar variation 963554 (VCV000963554.7), dbSNP rs779122234, ClinGen allele CA1089753.